The following is an entry in ClinVar:

ClinVar aggregate classification (germline): Uncertain significance (1 of 4 stars; one submission).

Conditions:
Dyskeratosis congenita, autosomal dominant 1 (DKCA1). Also called: Dyskeratosis congenita Scoggins type. Identifiers: Orphanet 1775, MedGen C4551974, MONDO:0007485, OMIM 127550. Inheritance: Variable.

Submission:

Labcorp Genetics (formerly Invitae), Labcorp
Classification: Uncertain significance for Autosomal dominant dyskeratosis congenita. Last evaluated: 2019-02-22. Review status: criteria provided, single submitter. Criteria: Invitae Variant Classification Sherloc (09022015). Collection method: clinical testing. Allele origin: germline.
Comment: This variant results in a copy number gain of the genomic region encompassing the full coding sequence of the TERC gene. The boundaries of this event are unknown as they extend beyond the assayed region for this gene and therefore may encompass additional genes. As the precise location of this event is unknown, it may be in tandem or it may be located elsewhere in the genome. This variant has not been reported in the literature in individuals with TERC-related conditions. In summary, the available evidence is currently insufficient to determine the role of this variant in disease. Therefore, it has been classified as a Variant of Uncertain Significance.

NC_000003.12:g.(?_169764600)_(169765070_?)dup

Gene: TERC (telomerase RNA component; minus strand). Cytogenetic location: 3q26.2.
Variant type: Duplication.
Identifiers: ClinVar variation 833265 (VCV000833265.1).